The following is an entry in ClinVar:

ClinVar aggregate classification (germline): Likely pathogenic (1 of 4 stars; one submission).

Conditions:
Bardet-Biedl syndrome 1 (BBS1). Identifiers: MedGen C2936862, MONDO:0008854, OMIM 209900. Disease mechanism: loss of function.

Submission:

Juno Genomics, Hangzhou Juno Genomics, Inc
Classification: Likely pathogenic for Bardet-Biedl syndrome 1. Review status: criteria provided, single submitter. Criteria: ACMG Guidelines, 2015. Collection method: clinical testing. Allele origin: germline.
Comment: Null variant in a gene where loss of function (LOF) is a known mechanism of disease.;Absent from controls (or at extremely low frequency if recessive) in Genome Aggregation Database.

NM_024649.5(BBS1):c.591+2T>C

Gene: BBS1 (Bardet-Biedl syndrome 1; plus strand). Cytogenetic location: 11q13.2.
Variant type: single nucleotide variant.
Coding change: c.591+2T>C on transcript NM_024649.5 (MANE Select); the canonical splice donor site of the intron after coding-DNA position 591, T replaced by C.
Molecular consequence: splice donor variant.
Genome position (GRCh38, 1-based): chr11:66,515,935, T>C. VCF-style: chr11-66515935-T-C. GRCh37 (hg19) VCF-style: chr11-66283406-T-C.
Identifiers: ClinVar variation 5004956 (VCV005004956.2).